The following is an entry in ClinVar:

ClinVar aggregate classification (germline): Uncertain significance (1 of 4 stars; one submission).

gnomAD v4.1: 9 of 1,614,164 alleles (0.00056%); highest among the groups gnomAD compares: Admixed American, 0.0033%; no homozygotes.

Submission:

GeneDx
Classification: Uncertain significance. Last evaluated: 2019-11-14. Review status: criteria provided, single submitter. Criteria: GeneDx Variant Classification Process June 2021. Collection method: clinical testing. Allele origin: germline. Affected: yes.
Comment: In silico analysis, which includes protein predictors and evolutionary conservation, supports that this variant does not alter protein structure/function; Has not been previously published as pathogenic or benign to our knowledge

NM_015378.4(VPS13D):c.884G>A (p.Arg295Gln)

Gene: VPS13D (vacuolar protein sorting 13 homolog D; plus strand). Cytogenetic location: 1p36.22.
Variant type: single nucleotide variant.
Coding change: c.884G>A on transcript NM_015378.4 (MANE Select); coding-DNA position 884, G replaced by A.
Protein change: p.Arg295Gln; replaces arginine 295 with glutamine.
Molecular consequence: missense variant.
Genome position (GRCh38, 1-based): chr1:12,257,030, G>A. VCF-style: chr1-12257030-G-A. GRCh37 (hg19) VCF-style: chr1-12317087-G-A.
Other names: c.884G>A, p.Arg295Gln (NM_018156.4); short protein forms R295Q.
Identifiers: ClinVar variation 1309988 (VCV001309988.2), dbSNP rs749080570, ClinGen allele CA601349.